The following is an entry in ClinVar:

ClinVar aggregate classification (germline): Pathogenic/Likely pathogenic. Review status: criteria provided, multiple submitters, no conflicts (2 of 4 stars). 4 submissions from 4 submitters: Pathogenic (1); Likely pathogenic (3). Last evaluated 2022-05-27.

Conditions:
PLEC-related disorder. Also called: PLEC-related condition; PLEC-related disorders.
Epidermolysis bullosa simplex 5B, with muscular dystrophy (EBS5B). Also called: EPIDERMOLYSIS BULLOSA SIMPLEX AND LIMB-GIRDLE MUSCULAR DYSTROPHY; Epidermolysis bullosa simplex with muscular dystrophy. Identifiers: Orphanet 257, MedGen C2931072, MONDO:0009181, OMIM 226670.
Epidermolysis bullosa simplex 5C, with pyloric atresia (EBS5C). Also called: PLEC-Related Epidermolysis Bullosa with Pyloric Atresia; Epidermolysis bullosa simplex with pyloric atresia; PLEC1-Related Epidermolysis Bullosa with Pyloric Atresia. Identifiers: Orphanet 158684, MedGen C2677349, MONDO:0012807, OMIM 612138.
Epidermolysis bullosa simplex, Ogna type (EBS5A). Also called: Pidermolysis bullosa simplex 5A, Ogna type; EPIDERMOLYSIS BULLOSA SIMPLEX 5A, OGNA TYPE. Identifiers: Orphanet 79401, MedGen C0432317, MONDO:0007555, OMIM 131950.
Epidermolysis bullosa simplex with nail dystrophy (EBS5D). Identifiers: MedGen C4225309, MONDO:0014661, OMIM 616487.
Autosomal recessive limb-girdle muscular dystrophy type 2Q (LGMDR17). Also called: MUSCULAR DYSTROPHY, LIMB-GIRDLE, AUTOSOMAL RECESSIVE 17. Identifiers: Orphanet 254361, MedGen C3150989, MONDO:0013390, OMIM 613723.

Submissions (4):

Labcorp Genetics (formerly Invitae), Labcorp
Classification: Pathogenic for Autosomal recessive limb-girdle muscular dystrophy type 2Q; Epidermolysis bullosa simplex, Ogna type; Epidermolysis bullosa simplex with nail dystrophy; Epidermolysis bullosa simplex 5C, with pyloric atresia; Epidermolysis bullosa simplex 5B, with muscular dystrophy. Last evaluated: 2022-05-27. Review status: criteria provided, single submitter. Criteria: Invitae Variant Classification Sherloc (09022015). Collection method: clinical testing. Allele origin: germline.
Comment: For these reasons, this variant has been classified as Pathogenic. This variant disrupts a region of the PLEC protein in which other variant(s) (p.Lys4460*) have been determined to be pathogenic (PMID: 10652002). This suggests that this is a clinically significant region of the protein, and that variants that disrupt it are likely to be disease-causing. ClinVar contains an entry for this variant (Variation ID: 1251952). This variant has not been reported in the literature in individuals affected with PLEC-related conditions. This variant is not present in population databases (gnomAD no frequency). This sequence change creates a premature translational stop signal (p.Gln2744*) in the PLEC gene. While this is not anticipated to result in nonsense mediated decay, it is expected to disrupt the last 1831 amino acid(s) of the PLEC protein.

HudsonAlpha Institute for Biotechnology
Classification: Likely pathogenic for Autosomal recessive limb-girdle muscular dystrophy type 2Q. Last evaluated: 2021-07-20. Review status: criteria provided, single submitter. Criteria: ACMG Guidelines, 2015. Collection method: research. Allele origin: unknown. Affected: yes. Observed: 1 variant allele. Study: HudsonAlpha-AGHI-WGS.
Comment: ACMG codes:PVS1, PM2

Blueprint Genetics
Classification: Likely pathogenic for PLEC-related disorders. Last evaluated: 2020-11-11. Review status: criteria provided, single submitter. Criteria: ACMG Guidelines, 2015. Collection method: clinical testing. Allele origin: germline. Affected: yes. Observed: 1 variant allele.

Revvity Omics, Revvity
Classification: Likely pathogenic. Last evaluated: 2019-05-07. Review status: criteria provided, single submitter. Criteria: ACMG Guidelines, 2015. Collection method: clinical testing. Allele origin: germline.

Literature cited by the submitters: PubMed 10652002 (cited by Labcorp Genetics (formerly Invitae), Labcorp).

NM_201384.3(PLEC):c.8149C>T (p.Gln2717Ter)

Gene: PLEC (plectin; minus strand). Cytogenetic location: 8q24.3.
Variant type: single nucleotide variant.
Coding change: c.8149C>T on transcript NM_201384.3 (MANE Select); coding-DNA position 8149, C replaced by T.
Protein change: p.Gln2717Ter; replaces glutamine 2717 with a stop codon.
Molecular consequence: nonsense.
Genome position (GRCh38, 1-based): chr8:143,921,672, G>A on the plus strand (C>T on the coding strand, the complement: PLEC is on the minus strand). VCF-style: chr8-143921672-G-A. GRCh37 (hg19) VCF-style: chr8-144995840-G-A.
Other names: c.8230C>T, p.Gln2744Ter (NM_000445.5); c.8107C>T, p.Gln2703Ter (NM_201378.4); c.8083C>T, p.Gln2695Ter (NM_201379.3); c.8560C>T, p.Gln2854Ter (NM_201380.4); c.8053C>T, p.Gln2685Ter (NM_201381.3); c.8149C>T, p.Gln2717Ter (NM_201382.4); c.8161C>T, p.Gln2721Ter (NM_201383.3); short protein forms Q2685*, Q2695*, Q2703*, Q2717*, Q2721*, Q2744*, Q2854*.
Identifiers: ClinVar variation 1251952 (VCV001251952.13), dbSNP rs1554686620, ClinGen allele CA372518975.